The following is an entry in ClinVar:

ClinVar aggregate classification (germline): Pathogenic (1 of 4 stars; one submission).

Conditions:
Retinoblastoma (RB1). Also called: RETINOBLASTOMA, SOMATIC. Identifiers: Orphanet 790, MedGen C0035335, MeSH D012175, MONDO:0008380, OMIM 180200, HP:0009919. Disease mechanism: loss of function. Inheritance: Both sporadic and heritable forms are tested..

Submission:

Labcorp Genetics (formerly Invitae), Labcorp
Classification: Pathogenic for Retinoblastoma. Last evaluated: 2017-11-16. Review status: criteria provided, single submitter. Criteria: Invitae Variant Classification Sherloc (09022015). Collection method: clinical testing. Allele origin: germline.
Comment: For these reasons, this variant has been classified as Pathogenic. Loss-of-function variants in RB1 are known to be pathogenic (PMID: 17096365). This variant is not present in population databases (ExAC no frequency). This variant has not been reported in the literature in individuals with RB1-related disease. This sequence change creates a premature translational stop signal (p.Asp750Lysfs*5) in the RB1 gene. It is expected to result in an absent or disrupted protein product.

Literature cited by the submitters: PubMed 17096365.

NM_000321.3(RB1):c.2247_2248insAA (p.Asp750fs)

Gene: RB1 (RB transcriptional corepressor 1; plus strand). Cytogenetic location: 13q14.2.
Variant type: Insertion.
Coding change: c.2247_2248insAA on transcript NM_000321.3 (MANE Select); coding-DNA positions 2247 to 2248, AA inserted.
Protein change: p.Asp750fs; shifts the reading frame from aspartic acid 750.
Molecular consequence: frameshift variant.
Genome position: GRCh38 VCF-style: chr13-48465033-T-TAA. GRCh37 (hg19) VCF-style: chr13-49039169-T-TAA.
Other names: short protein forms D750fs.
Identifiers: ClinVar variation 527930 (VCV000527930.7), dbSNP rs1555294600, ClinGen allele CA658798152.